The following is an entry in ClinVar:

ClinVar aggregate classification (germline): Uncertain significance. Review status: criteria provided, multiple submitters, no conflicts (2 of 4 stars). 2 submissions from 2 submitters: Uncertain significance (2). Last evaluated 2022-02-04.

Conditions:
Spermatogenic failure 28. Identifiers: MedGen C4748117, MONDO:0054732, OMIM 618086.
Premature ovarian failure 15. Identifiers: MedGen C4748170, MONDO:0054862, OMIM 618096.
Fanconi anemia (FA). Also called: Fanconi's anemia. Identifiers: Orphanet 84, MedGen C0015625, MeSH D005199, MONDO:0019391.

Allele frequency attached by ClinVar (database versions not stated): gnomAD exomes below 0.00001.
gnomAD v4.1: 1 of 1,613,176 alleles (0.000062%); highest among the groups gnomAD compares: Non-Finnish European, 0.000085%; no homozygotes.

Submissions (2):

Fulgent Genetics
Classification: Uncertain significance for Spermatogenic failure 28; Premature ovarian failure 15. Last evaluated: 2022-02-04. Review status: criteria provided, single submitter. Criteria: ACMG Guidelines, 2015. Collection method: clinical testing. Allele origin: unknown.

Labcorp Genetics (formerly Invitae), Labcorp
Classification: Uncertain significance for Fanconi anemia. Last evaluated: 2021-10-09. Review status: criteria provided, single submitter. Criteria: Invitae Variant Classification Sherloc (09022015). Collection method: clinical testing. Allele origin: germline.
Comment: This sequence change replaces serine with alanine at codon 484 of the FANCM protein (p.Ser484Ala). The serine residue is moderately conserved and there is a moderate physicochemical difference between serine and alanine. In summary, the available evidence is currently insufficient to determine the role of this variant in disease. Therefore, it has been classified as a Variant of Uncertain Significance. Algorithms developed to predict the effect of missense changes on protein structure and function (SIFT, PolyPhen-2, Align-GVGD) all suggest that this variant is likely to be tolerated. This variant has not been reported in the literature in individuals affected with FANCM-related conditions. This variant is not present in population databases (ExAC no frequency).

NM_020937.4(FANCM):c.1450T>G (p.Ser484Ala)

Gene: FANCM (FA complementation group M; plus strand). Cytogenetic location: 14q21.2.
Variant type: single nucleotide variant.
Coding change: c.1450T>G on transcript NM_020937.4 (MANE Select); coding-DNA position 1450, T replaced by G.
Protein change: p.Ser484Ala; replaces serine 484 with alanine.
Molecular consequence: missense variant.
Genome position (GRCh38, 1-based): chr14:45,159,149, T>G. VCF-style: chr14-45159149-T-G. GRCh37 (hg19) VCF-style: chr14-45628352-T-G.
Other names: c.1372T>G, p.Ser458Ala (NM_001308133.2); c.1450T>G, p.Ser484Ala (NM_001308134.2); short protein forms S458A, S484A.
Identifiers: ClinVar variation 1018658 (VCV001018658.7), dbSNP rs1887398867, ClinGen allele CA389592472.